The following is an entry in ClinVar:

ClinVar aggregate classification (germline): Uncertain significance (1 of 4 stars; one submission).

Allele frequency attached by ClinVar (database versions not stated): TOPMed below 0.00001; ExAC 0.00006.
gnomAD v4.1: 49 of 1,613,934 alleles (0.003%); highest among the groups gnomAD compares: South Asian, 0.044%; no homozygotes.

Submission:

Labcorp Genetics (formerly Invitae), Labcorp
Classification: Uncertain significance. Last evaluated: 2025-06-22. Review status: criteria provided, single submitter. Criteria: Invitae Variant Classification Sherloc (09022015). Collection method: clinical testing. Allele origin: germline.
Comment: This sequence change replaces methionine, which is neutral and non-polar, with valine, which is neutral and non-polar, at codon 2381 of the TRRAP protein (p.Met2381Val). This variant is present in population databases (rs752698009, gnomAD 0.03%). This variant has not been reported in the literature in individuals affected with TRRAP-related conditions. ClinVar contains an entry for this variant (Variation ID: 2177019). Invitae Evidence Modeling of protein sequence and biophysical properties (such as structural, functional, and spatial information, amino acid conservation, physicochemical variation, residue mobility, and thermodynamic stability) indicates that this missense variant is not expected to disrupt TRRAP protein function with a negative predictive value of 80%. In summary, the available evidence is currently insufficient to determine the role of this variant in disease. Therefore, it has been classified as a Variant of Uncertain Significance.

NM_001375524.1(TRRAP):c.7216A>G (p.Met2406Val)

Gene: TRRAP (transformation/transcription domain associated protein; plus strand). Cytogenetic location: 7q22.1.
Variant type: single nucleotide variant.
Coding change: c.7216A>G on transcript NM_001375524.1 (MANE Select); coding-DNA position 7216, A replaced by G.
Protein change: p.Met2406Val; replaces methionine 2406 with valine.
Molecular consequence: missense variant.
Genome position (GRCh38, 1-based): chr7:98,967,080, A>G. VCF-style: chr7-98967080-A-G. GRCh37 (hg19) VCF-style: chr7-98564703-A-G.
Other names: c.7195A>G, p.Met2399Val (NM_001244580.2); c.7141A>G, p.Met2381Val (NM_003496.4); short protein forms M2381V, M2406V, M2399V.
Identifiers: ClinVar variation 2177019 (VCV002177019.4), dbSNP rs752698009, ClinGen allele CA4361083.